The following is an entry in ClinVar:

NM_005609.4(PYGM):c.1274G>A (p.Arg425Gln)

Gene: PYGM (glycogen phosphorylase, muscle associated; minus strand). Cytogenetic location: 11q13.1.
Variant type: single nucleotide variant.
Coding change: c.1274G>A on transcript NM_005609.4 (MANE Select); coding-DNA position 1274, G replaced by A.
Protein change: p.Arg425Gln; replaces arginine 425 with glutamine.
Molecular consequence: missense variant.
Genome position (GRCh38, 1-based): chr11:64,753,648, C>T on the plus strand (G>A on the coding strand, the complement: PYGM is on the minus strand). VCF-style: chr11-64753648-C-T. GRCh37 (hg19) VCF-style: chr11-64521120-C-T.
Other names: c.1010G>A, p.Arg337Gln (NM_001164716.1); c.1274G>A (NM_005609.3); short protein forms R425Q, R337Q.
Identifiers: ClinVar variation 2049232 (VCV002049232.8), dbSNP rs368608057, ClinGen allele CA6079929.

ClinVar aggregate classification (germline): Uncertain significance. Review status: criteria provided, multiple submitters, no conflicts (2 of 4 stars). 5 submissions from 5 submitters: Uncertain significance (4). 1 of the submissions does not count toward it. Last evaluated 2025-03-13.

Conditions:
Glycogen storage disease, type V (GSD5). Also called: MCARDLE DISEASE; MUSCLE GLYCOGEN PHOSPHORYLASE DEFICIENCY; MYOPHOSPHORYLASE DEFICIENCY; PYGM DEFICIENCY; McArdle type glycogen storage disease. Identifiers: Orphanet 368, MedGen C0017924, MONDO:0009293, OMIM 232600.
Tip-toe gait. Also called: Toe walking. Identifiers: MedGen C0427144, HP:0030051.

Allele frequency attached by ClinVar (database versions not stated): ESP Exome Variant Server 0.00015; TOPMed 0.00019; gnomAD 0.00021.
gnomAD v4.1: 80 of 1,608,660 alleles (0.005%); highest among the groups gnomAD compares: African/African-American, 0.08%; no homozygotes.

Submissions (5):

Revvity Omics, Revvity
Classification: Uncertain significance for Glycogen storage disease, type V. Last evaluated: 2025-03-13. Review status: criteria provided, single submitter. Criteria: ACMG Guidelines, 2015. Collection method: clinical testing. Allele origin: germline.

Women's Health and Genetics/Laboratory Corporation of America, LabCorp
Classification: Uncertain significance. Last evaluated: 2024-09-09. Review status: criteria provided, single submitter. Criteria: LabCorp Variant Classification Summary - May 2015. Collection method: clinical testing. Allele origin: germline.
Comment: Variant summary: PYGM c.1274G>A (p.Arg425Gln) results in a conservative amino acid change in the encoded protein sequence. Four of five in-silico tools predict a damaging effect of the variant on protein function. The variant allele was found at a frequency of 3.8e-05 in 236772 control chromosomes. The available data on variant occurrences in the general population are insufficient to allow any conclusion about variant significance. To our knowledge, no occurrence of c.1274G>A in individuals affected with Glycogen Storage Disease, Type V and no experimental evidence demonstrating its impact on protein function have been reported. ClinVar contains an entry for this variant (Variation ID: 2049232). Based on the evidence outlined above, the variant was classified as uncertain significance.

Fulgent Genetics
Classification: Uncertain significance for Glycogen storage disease, type V. Last evaluated: 2024-04-04. Review status: criteria provided, single submitter. Criteria: ACMG Guidelines, 2015. Collection method: clinical testing. Allele origin: germline.

Labcorp Genetics (formerly Invitae), Labcorp
Classification: Uncertain significance for Glycogen storage disease, type V. Last evaluated: 2022-07-11. Review status: criteria provided, single submitter. Criteria: Invitae Variant Classification Sherloc (09022015). Collection method: clinical testing. Allele origin: germline.
Comment: This sequence change replaces arginine, which is basic and polar, with glutamine, which is neutral and polar, at codon 425 of the PYGM protein (p.Arg425Gln). This variant is present in population databases (rs368608057, gnomAD 0.07%). This variant has not been reported in the literature in individuals affected with PYGM-related conditions. Algorithms developed to predict the effect of missense changes on protein structure and function are either unavailable or do not agree on the potential impact of this missense change (SIFT: "Not Available"; PolyPhen-2: "Benign"; Align-GVGD: "Not Available"). In summary, the available evidence is currently insufficient to determine the role of this variant in disease. Therefore, it has been classified as a Variant of Uncertain Significance.

Practice for Gait Abnormalities, David Pomarino, Competency Network Toe Walking C/o Practice Pomarino
Classification: Likely pathogenic for Tip-toe gait. Last evaluated: 2022-07-08. Review status: flagged submission. Collection method: clinical testing. Allele origin: germline. Affected: yes. Not counted in ClinVar's aggregate classification.
Comment: Toe Walking has various causes, ranging from idiopathic or habitual reasons to an underlying neuromuscular disease. The most observed form of toe walking is idiopathic toe walking (ITW) - a diagnosis of exclusion. ITW occurs in about 5% of children after their second birthday and is a common problem in pediatric orthopedics. In about 70% of these cases, there is spontaneous remission within six months of the onset of ITW. If the toe walk persists, one can assume the presence of a non-idiopathic form of toe walk (n-ITW). In n-ITW, the causes of the abnormal gait are neurological or myogenic. Differential diagnoses such as infantile cerebral palsy, muscular dystrophy, spinal amyotrophy and hereditary motor-sensory neuropathy as well as rare metabolic disorders of the musculature must be considered (Pomarino et al., 2018). In our clinical ITW consultation, we screen children with n-ITW for a genetic form of tiptoe gait using next generation sequencing for gene variants in 49 genes. These are genes in which gene variants can lead to neuromuscular diseases in which an association with toe-tapping gait has been reported or can be suspected due to patients’ clinical symptoms. To the best of our knowledge, this is the first study in which several patients with toe walking displayed heterozygosity for pathogenic or likely pathogenic PYGM mutations and mild symptoms of the metabolic muscle disease McArdle. The findings of our research are in line with recently published observations in heterozygous family members patients with McArdle disease. We should mention that some of the patients in our cohort harbored heterozygous variants in other genes of our gene panel. However, the numbers in this study were too small to workout any resulting combined genetic effects. It is concluded that genetic conditions can contribute to the development of toe walking. Apparently, even a slight genetic weakening of the muscles can lead to changes to the gait pattern. Future studies must show how the pathomechanism can be explained for the PYGM variants and whether there are new therapeutic approaches to be developed based on this research.
ClinVar note: Notes: This gene has insufficient supporting evidence for isolated Tip-Toe Gait.
ClinVar note: Reason: Claim with insufficient supporting evidence

Literature cited by the submitters: PubMed 29881221 (cited by Practice for Gait Abnormalities, David Pomarino, Competency Network Toe Walking C/o Practice Pomarino); DOI 10.1016/j.rchot.2016.09.001 (cited by Practice for Gait Abnormalities, David Pomarino, Competency Network Toe Walking C/o Practice Pomarino); DOI 10.51793/OS.2022.25.6.010 (cited by Practice for Gait Abnormalities, David Pomarino, Competency Network Toe Walking C/o Practice Pomarino).